The following is an entry in ClinVar:

ClinVar aggregate classification (germline): Conflicting classifications of pathogenicity. Review status: criteria provided, conflicting classifications (1 of 4 stars). 2 submissions from 2 submitters: Uncertain significance (1); Likely benign (1). Last evaluated 2023-03-23.

Conditions:
Hereditary cancer-predisposing syndrome. Also called: Hereditary neoplastic syndrome; Tumor predisposition; Neoplastic Syndromes, Hereditary; Hereditary Cancer Syndrome. Identifiers: Orphanet 140162, MedGen C0027672, MeSH D009386, MONDO:0015356.
Hereditary breast ovarian cancer syndrome. Also called: Hereditary breast and ovarian cancer; Hereditary breast and/or ovarian cancer syndrome; Hereditary breast and ovarian cancer syndrome; Hereditary breast and ovarian cancer syndrome (HBOC); Breast and ovarian cancer; BRCA1- and BRCA2-Associated Hereditary Breast and Ovarian Cancer. Identifiers: Orphanet 145, MedGen C0677776, MeSH D061325, MONDO:0003582. Disease mechanism: loss of function.

gnomAD v4.1: 1 of 1,613,988 alleles (0.000062%); no homozygotes.

Submissions (2):

University of Washington Department of Laboratory Medicine, University of Washington
Classification: Likely benign for Hereditary cancer-predisposing syndrome. Last evaluated: 2023-03-23. Review status: criteria provided, single submitter. Criteria: Dines et al. (Genet Med. 2020). Collection method: curation. Allele origin: germline.
Comment: Missense variant in a coldspot region where missense variants are very unlikely to be pathogenic (PMID:31911673).

BRCA1 coldspot (exon 11 using historical exon numbering). Reclassification based on statistical prior probability

Labcorp Genetics (formerly Invitae), Labcorp
Classification: Uncertain significance for Hereditary breast ovarian cancer syndrome. Last evaluated: 2019-11-14. Review status: criteria provided, single submitter. Criteria: Invitae Variant Classification Sherloc (09022015). Collection method: clinical testing. Allele origin: germline.
Comment: In summary, the available evidence is currently insufficient to determine the role of this variant in disease. Therefore, it has been classified as a Variant of Uncertain Significance. Algorithms developed to predict the effect of missense changes on protein structure and function are either unavailable or do not agree on the potential impact of this missense change (SIFT: "Tolerated"; PolyPhen-2: "Possibly Damaging"; Align-GVGD: "Class C0"). This variant has not been reported in the literature in individuals with BRCA1-related conditions. This variant is not present in population databases (ExAC no frequency). This sequence change replaces glutamic acid with lysine at codon 1148 of the BRCA1 protein (p.Glu1148Lys). The glutamic acid residue is moderately conserved and there is a small physicochemical difference between glutamic acid and lysine.

NM_007294.4(BRCA1):c.3442G>A (p.Glu1148Lys)

Genes: BRCA1 (BRCA1 DNA repair associated; minus strand), LOC126862571 (BRD4-independent group 4 enhancer GRCh37_chr17:41243136-41244335; plus strand). Cytogenetic location: 17q21.31.
Variant type: single nucleotide variant.
Coding change: c.3442G>A on transcript NM_007294.4 (MANE Select); coding-DNA position 3442, G replaced by A.
Protein change: p.Glu1148Lys; replaces glutamic acid 1148 with lysine.
Molecular consequence: missense variant. On other transcripts: intron variant (135).
Genome position (GRCh38, 1-based): chr17:43,092,089, C>T on the plus strand (G>A on the coding strand, the complement: BRCA1 is on the minus strand). VCF-style: chr17-43092089-C-T. GRCh37 (hg19) VCF-style: chr17-41244106-C-T.
Other names: c.3316G>A, p.Glu1106Lys (NM_001407940.1, NM_001407941.1, NM_001407649.1 and 11 more transcripts); c.3301G>A, p.Glu1101Lys (NM_001407942.1, NM_001407944.1, NM_001407945.1 and 29 more transcripts); c.3298G>A, p.Glu1100Lys (NM_001407943.1, NM_001407964.1, NM_001407740.1 and 20 more transcripts); c.3109G>A, p.Glu1037Lys (NM_001407946.1, NM_001407947.1, NM_001407948.1 and 6 more transcripts); c.3106G>A, p.Glu1036Lys (NM_001407954.1, NM_001407955.1, NM_001407956.1 and 1 more transcripts); c.3061G>A, p.Glu1021Lys (NM_001407959.1, NM_001407960.1, NM_001407963.1); c.3058G>A, p.Glu1020Lys (NM_001407962.1); c.2938G>A, p.Glu980Lys (NM_001407965.1); and 41 more; short protein forms E1101K, E1148K, E1036K, E1059K, E1078K, E1147K, E852K, E1021K.
Identifiers: ClinVar variation 956650 (VCV000956650.13), dbSNP rs886038012, ClinGen allele CA10595101.